The following is an entry in ClinVar:

ClinVar aggregate classification (germline): Conflicting classifications of pathogenicity. Review status: criteria provided, conflicting classifications (1 of 4 stars). 4 submissions from 4 submitters: Likely pathogenic (2); Uncertain significance (1). 1 of the submissions does not count toward it. Last evaluated 2025-08-21.

Conditions:
COL4A3-related disorder. Also called: COL4A3-Related Disorders; COL4A3-related condition.
Alport syndrome. Also called: Hemorrhagic familial nephritis; Hemorrhagic hereditary nephritis; Congenital hereditary hematuria. Identifiers: Orphanet 63, MedGen C1567741, MONDO:0018965.

Allele frequency attached by ClinVar (database versions not stated): gnomAD exomes below 0.00001; ExAC 0.00001.
gnomAD v4.1: 1 of 1,613,766 alleles (0.000062%); highest among the groups gnomAD compares: Non-Finnish European, 0.000085%; no homozygotes.

Submissions (4):

Natera, Inc.
Classification: Likely pathogenic for Alport syndrome. Last evaluated: 2025-08-21. Review status: criteria provided, single submitter. Criteria: Natera Variant Classification Schema (03/2026). Collection method: clinical testing. Allele origin: germline.
Comment: The c.997G>A variant in COL4A3 is a missense variant predicted to cause substitution of glycine to arginine at amino acid 333. This variant is rare in the general population with a frequency below the threshold expected for the associated phenotype(s). This variant is located in a functionally critical region of the protein. A different variant at the same position has been determined to be Pathogenic or Likely Pathogenic. Computational prediction algorithms indicate this variant is likely to affect gene or protein function. Given the available evidence, this variant is classified as Likely Pathogenic.

Labcorp Genetics (formerly Invitae), Labcorp
Classification: Uncertain significance. Last evaluated: 2020-01-22. Review status: criteria provided, single submitter. Criteria: Invitae Variant Classification Sherloc (09022015). Collection method: clinical testing. Allele origin: germline.
Comment: Algorithms developed to predict the effect of missense changes on protein structure and function are either unavailable or do not agree on the potential impact of this missense change (SIFT: "Tolerated"; PolyPhen-2: "Probably Damaging"; Align-GVGD: "Class C0"). This variant has been observed in individual(s) with clinical features of Alport's syndrome (Invitae). ClinVar contains an entry for this variant (Variation ID: 585524). This variant is present in population databases (rs761819520, ExAC 0.006%). This sequence change replaces glycine with arginine at codon 333 of the COL4A3 protein (p.Gly333Arg). The glycine residue is highly conserved and there is a moderate physicochemical difference between glycine and arginine. This variant disrupts the p.Gly333 amino acid residue in COL4A3. Other variant(s) that disrupt this residue have been determined to be pathogenic (PMID: 29089023). This suggests that this residue is clinically significant, and that variants that disrupt this residue are likely to be disease-causing. In summary, the available evidence is currently insufficient to determine the role of this variant in disease. Therefore, it has been classified as a Variant of Uncertain Significance.

Athena Diagnostics
Classification: Likely pathogenic. Last evaluated: 2018-01-11. Review status: criteria provided, single submitter. Criteria: Athena Diagnostics Criteria. Collection method: clinical testing. Allele origin: germline.

PreventionGenetics, part of Exact Sciences
Classification: Likely pathogenic for COL4A3-related condition. Last evaluated: 2023-12-15. Review status: no assertion criteria provided. Collection method: clinical testing. Allele origin: germline. Not counted in ClinVar's aggregate classification.
Comment: The COL4A3 c.997G>A variant is predicted to result in the amino acid substitution p.Gly333Arg. The p.Gly333Arg residue is located in the conserved triple helical domain, where substitutions of the glycine are usually pathogenic (UniProt residues 43-1438, Hudson et al. 1993. PubMed ID: 8253711). To our knowledge, this variant has not been reported in the literature or in a large population database, indicating this variant is rare. Another variant affecting the same amino acid residue, c.998G>A (p.Gly333Glu), has been reported in a large family Alport syndrome suggesting this amino acid is functionally important (Cervera-Acedo et al. 2017. PubMed ID: 29089023). This variant is interpreted as likely pathogenic.

Literature cited by the submitters: PubMed 29089023 (cited by Labcorp Genetics (formerly Invitae), Labcorp).

NM_000091.5(COL4A3):c.997G>A (p.Gly333Arg)

Genes: COL4A3 (collagen type IV alpha 3 chain; plus strand), MFF-DT (MFF divergent transcript; minus strand). Cytogenetic location: 2q36.3.
Variant type: single nucleotide variant.
Coding change: c.997G>A on transcript NM_000091.5 (MANE Select); coding-DNA position 997, G replaced by A.
Protein change: p.Gly333Arg; replaces glycine 333 with arginine.
Molecular consequence: missense variant.
Genome position (GRCh38, 1-based): chr2:227,257,612, G>A. VCF-style: chr2-227257612-G-A. GRCh37 (hg19) VCF-style: chr2-228122328-G-A.
Other names: c.997G>A (NM_000091.4); short protein forms G333R.
Identifiers: ClinVar variation 585524 (VCV000585524.16), dbSNP rs761819520, ClinGen allele CA2146486.